The following is an entry in ClinVar:

NM_001303052.2(MYT1L):c.2363C>T (p.Pro788Leu)

Gene: MYT1L (myelin transcription factor 1 like; minus strand). Cytogenetic location: 2p25.3.
Variant type: single nucleotide variant.
Coding change: c.2363C>T on transcript NM_001303052.2 (MANE Select); coding-DNA position 2363, C replaced by T.
Protein change: p.Pro788Leu; replaces proline 788 with leucine.
Molecular consequence: missense variant.
Genome position (GRCh38, 1-based): chr2:1,889,398, G>A on the plus strand (C>T on the coding strand, the complement: MYT1L is on the minus strand). VCF-style: chr2-1889398-G-A. GRCh37 (hg19) VCF-style: chr2-1893170-G-A.
Other names: c.2363C>T, p.Pro788Leu (NM_001329844.2, NM_001329845.1, NM_001329851.3); c.2357C>T, p.Pro786Leu (NM_001329846.3, NM_001329847.2, NM_001329848.1 and 3 more transcripts); short protein forms P786L, P788L.
Identifiers: ClinVar variation 4085179 (VCV004085179.8).
Genomic context (GRCh38, chr2:1,889,398, plus strand): 5'-CACCGGTTGTTCATCACTGCCTGCTGCTGGGGGGACATGGGCTCCAGAGGGGTCAGGATG[G>A]GGCAGCAGCTGTCCCGCGGCCTCTGCTTGTTCATGCTGAGGTCCAGGGTCCCGTTCTCAT-3'
Protein context (NP_001289981.1, residues 778-798): NKQRPRDSCC[Pro788Leu]ILTPLEPMSP

ClinVar aggregate classification (germline): Uncertain significance (1 of 4 stars; one submission).

Submission:

CeGaT Center for Human Genetics Tuebingen
Classification: Uncertain significance. Last evaluated: 2025-06-01. Review status: criteria provided, single submitter. Criteria: CeGaT Center For Human Genetics Tuebingen Variant Classification Criteria Version 2. Collection method: clinical testing. Allele origin: germline. Affected: yes. Observed: 1 variant allele.
Comment: MYT1L: PM2, BP4